The following is an entry in ClinVar:

NM_000426.4(LAMA2):c.2339C>T (p.Thr780Ile)

Gene: LAMA2 (laminin subunit alpha 2; plus strand). Cytogenetic location: 6q22.33.
Variant type: single nucleotide variant.
Coding change: c.2339C>T on transcript NM_000426.4 (MANE Select); coding-DNA position 2339, C replaced by T.
Protein change: p.Thr780Ile; replaces threonine 780 with isoleucine.
Molecular consequence: missense variant.
Genome position (GRCh38, 1-based): chr6:129,270,640, C>T. VCF-style: chr6-129270640-C-T. GRCh37 (hg19) VCF-style: chr6-129591785-C-T.
Other names: p.Thr780Ile; c.2339C>T, p.Thr780Ile (NM_001079823.2); short protein forms T780I.
Identifiers: ClinVar variation 571202 (VCV000571202.11), dbSNP rs1362957079, ClinGen allele CA365609020.
Genomic context (GRCh38, chr6:129,270,640, plus strand): 5'-CCTGACACCAAAATAATAAACTCTGATGCTCATTTCTTTCTCAGAACTGTAAGGATCACA[C>T]AGGTGGCCCATATTGTGATAAATGTCTTCCTGGTTTCTATGGCGAGCCTACTAAAGGAAC-3'
Protein context (NP_000417.3, residues 770-790): TGECLNCKDH[Thr780Ile]GGPYCDKCLP

ClinVar aggregate classification (germline): Uncertain significance. Review status: criteria provided, multiple submitters, no conflicts (2 of 4 stars). 3 submissions from 3 submitters: Uncertain significance (3). Last evaluated 2025-11-20.

Conditions:
LAMA2-related muscular dystrophy (LAMA2-RD). Also called: Laminin alpha 2-related dystrophy. Identifiers: MedGen C5679788, MONDO:0100228.
Inborn genetic diseases. Identifiers: MedGen C0950123, MeSH D030342.

Allele frequency attached by ClinVar (database versions not stated): gnomAD exomes below 0.00001 and 0.00001; gnomAD 0.00001; TOPMed 0.00002.
gnomAD v4.1: 20 of 1,612,858 alleles (0.0012%); highest among the groups gnomAD compares: Non-Finnish European, 0.0016%; no homozygotes.

Submissions (3):

Ambry Genetics
Classification: Uncertain significance for Inborn genetic diseases. Last evaluated: 2025-11-20. Review status: criteria provided, single submitter. Criteria: Ambry Variant Classification Scheme 2023. Collection method: clinical testing. Allele origin: germline.

Mayo Clinic Laboratories, Mayo Clinic
Classification: Uncertain significance. Last evaluated: 2024-01-19. Review status: criteria provided, single submitter. Criteria: ACMG Guidelines, 2015. Collection method: clinical testing. Allele origin: germline. Observed: 1 variant allele.

Labcorp Genetics (formerly Invitae), Labcorp
Classification: Uncertain significance for LAMA2-related muscular dystrophy. Last evaluated: 2022-10-05. Review status: criteria provided, single submitter. Criteria: Invitae Variant Classification Sherloc (09022015). Collection method: clinical testing. Allele origin: germline.
Comment: In summary, the available evidence is currently insufficient to determine the role of this variant in disease. Therefore, it has been classified as a Variant of Uncertain Significance. This sequence change replaces threonine, which is neutral and polar, with isoleucine, which is neutral and non-polar, at codon 780 of the LAMA2 protein (p.Thr780Ile). This variant is present in population databases (no rsID available, gnomAD 0.0009%). This variant has not been reported in the literature in individuals affected with LAMA2-related conditions. ClinVar contains an entry for this variant (Variation ID: 571202). Advanced modeling of protein sequence and biophysical properties (such as structural, functional, and spatial information, amino acid conservation, physicochemical variation, residue mobility, and thermodynamic stability) performed at Invitae indicates that this missense variant is not expected to disrupt LAMA2 protein function.